The following is an entry in ClinVar:

NM_152906.7(TANGO2):c.307T>G (p.Leu103Val)

Gene: TANGO2 (transport and golgi organization 2 homolog; plus strand). Cytogenetic location: 22q11.21.
Variant type: single nucleotide variant.
Coding change: c.307T>G on transcript NM_152906.7 (MANE Select); coding-DNA position 307, T replaced by G.
Protein change: p.Leu103Val; replaces leucine 103 with valine.
Molecular consequence: missense variant. On other transcripts: non-coding transcript variant (1), intron variant (18).
Genome position (GRCh38, 1-based): chr22:20,053,478, T>G. VCF-style: chr22-20053478-T-G. GRCh37 (hg19) VCF-style: chr22-20041001-T-G.
Other names: c.307T>G, p.Leu103Val (NM_001283106.3, NM_001283116.3, NM_001283148.3 and 3 more transcripts); c.430T>G, p.Leu144Val (NM_001283129.3, NM_001283215.3, NM_001322141.2 and 3 more transcripts); c.205T>G, p.Leu69Val (NM_001322146.2, NM_001322148.2, NM_001322160.2); c.265+894T>G (NM_001322163.2, NM_001283179.3, NM_001322167.2 and 4 more transcripts); c.86+894T>G (NM_001322174.2, NM_001322172.2, NM_001322175.2 and 6 more transcripts); c.388+894T>G (NM_001322145.2, NM_001322147.2); short protein forms L144V, L103V, L69V.
Identifiers: ClinVar variation 3023244 (VCV003023244.2), dbSNP rs759328509, ClinGen allele CA10106285.

ClinVar aggregate classification (germline): Uncertain significance (1 of 4 stars; one submission).

Allele frequency attached by ClinVar (database versions not stated): TOPMed 0.00001; ExAC 0.00002; gnomAD exomes 0.00002.
gnomAD v4.1: 22 of 1,614,000 alleles (0.0014%); highest among the groups gnomAD compares: Non-Finnish European, 0.0019%; no homozygotes.

Submission:

Labcorp Genetics (formerly Invitae), Labcorp
Classification: Uncertain significance. Last evaluated: 2024-01-30. Review status: criteria provided, single submitter. Criteria: Invitae Variant Classification Sherloc (09022015). Collection method: clinical testing. Allele origin: germline.
Comment: This sequence change replaces leucine, which is neutral and non-polar, with valine, which is neutral and non-polar, at codon 103 of the TANGO2 protein (p.Leu103Val). This variant is present in population databases (rs759328509, gnomAD 0.004%). This variant has not been reported in the literature in individuals affected with TANGO2-related conditions. An algorithm developed to predict the effect of missense changes on protein structure and function (PolyPhen-2) suggests that this variant¬¨‚Ä†is likely to be tolerated. In summary, the available evidence is currently insufficient to determine the role of this variant in disease. Therefore, it has been classified as a Variant of Uncertain Significance.